The following is an entry in ClinVar:

ClinVar aggregate classification (germline): Uncertain significance (1 of 4 stars; one submission).

Allele frequency attached by ClinVar (database versions not stated): gnomAD exomes 0.00001; gnomAD 0.00003; TOPMed 0.00003; ExAC 0.00006; 1000 Genomes Project 30x 0.00016; 1000 Genomes Project 0.00020.
gnomAD v4.1: 10 of 1,614,004 alleles (0.00062%); highest among the groups gnomAD compares: East Asian, 0.022%; no homozygotes.

Submission:

Labcorp Genetics (formerly Invitae), Labcorp
Classification: Uncertain significance. Last evaluated: 2022-03-23. Review status: criteria provided, single submitter. Criteria: Invitae Variant Classification Sherloc (09022015). Collection method: clinical testing. Allele origin: germline.
Comment: This sequence change replaces leucine, which is neutral and non-polar, with methionine, which is neutral and non-polar, at codon 93 of the VPS11 protein (p.Leu93Met). This variant is present in population databases (rs545909302, gnomAD 0.08%). This variant has not been reported in the literature in individuals affected with VPS11-related conditions. Experimental studies and prediction algorithms are not available or were not evaluated, and the functional significance of this variant is currently unknown. In summary, the available evidence is currently insufficient to determine the role of this variant in disease. Therefore, it has been classified as a Variant of Uncertain Significance.

NM_021729.6(VPS11):c.277C>A (p.Leu93Met)

Gene: VPS11 (VPS11 core subunit of CORVET and HOPS complexes; plus strand). Cytogenetic location: 11q23.3.
Variant type: single nucleotide variant.
Coding change: c.277C>A on transcript NM_021729.6 (MANE Select); coding-DNA position 277, C replaced by A.
Protein change: p.Leu93Met; replaces leucine 93 with methionine.
Molecular consequence: missense variant. On other transcripts: non-coding transcript variant (8).
Genome position (GRCh38, 1-based): chr11:119,069,285, C>A. VCF-style: chr11-119069285-C-A. GRCh37 (hg19) VCF-style: chr11-118939995-C-A.
Other names: c.247C>A, p.Leu83Met (NM_001290185.2, NM_001378221.1); c.277C>A, p.Leu93Met (NM_001378218.1, NM_001378219.1, NM_001378220.1); short protein forms L83M, L93M.
Identifiers: ClinVar variation 1929592 (VCV001929592.2), dbSNP rs545909302, ClinGen allele CA229659836.